The following is an entry in ClinVar:

ClinVar aggregate classification (germline): Uncertain significance (1 of 4 stars; one submission).

Conditions:
Intellectual developmental disorder 61. Also called: INTELLECTUAL DEVELOPMENTAL DISORDER, AUTOSOMAL DOMINANT 61; MENTAL RETARDATION, AUTOSOMAL DOMINANT 61. Identifiers: MedGen C5231400, MONDO:0032485, OMIM 618009.

Submission:

3billion
Classification: Uncertain significance for Intellectual developmental disorder 61. Last evaluated: 2025-11-10. Review status: criteria provided, single submitter. Criteria: ACMG Guidelines, 2015. Collection method: clinical testing. Allele origin: germline. Affected: yes.
Comment: The variant is not observed in the gnomAD v4.1.0 dataset. Predicted Consequence/Location: Missense variant. In silico tools predict the variant to alter splicing and produce an abnormal transcript [SpliceAI: 0.43 (>=0.2, moderate evidence for spliceogenicity)]. Therefore, this variant is classified as VUS according to the recommendation of ACMG/AMP guideline.

NM_005121.3(MED13):c.2959C>T (p.Pro987Ser)

Gene: MED13 (mediator complex subunit 13; minus strand). Cytogenetic location: 17q23.2.
Variant type: single nucleotide variant.
Coding change: c.2959C>T on transcript NM_005121.3 (MANE Select); coding-DNA position 2959, C replaced by T.
Protein change: p.Pro987Ser; replaces proline 987 with serine.
Molecular consequence: missense variant.
Genome position (GRCh38, 1-based): chr17:61,983,044, G>A on the plus strand (C>T on the coding strand, the complement: MED13 is on the minus strand). VCF-style: chr17-61983044-G-A. GRCh37 (hg19) VCF-style: chr17-60060405-G-A.
Other names: short protein forms P987S.
Identifiers: ClinVar variation 4855462 (VCV004855462.1).